The following is an entry in ClinVar:

ClinVar aggregate classification (germline): Uncertain significance (1 of 4 stars; one submission).

Submission:

Labcorp Genetics (formerly Invitae), Labcorp
Classification: Uncertain significance. Last evaluated: 2025-10-26. Review status: criteria provided, single submitter. Criteria: Invitae Variant Classification Sherloc (09022015). Collection method: clinical testing. Allele origin: germline.
Comment: This variant, c.2384_2401dup, results in the insertion of 6 amino acid(s) of the SYNPO protein (p.Pro795_Pro800dup), but otherwise preserves the integrity of the reading frame. The frequency data for this variant in the population databases is considered unreliable, as metrics indicate insufficient coverage at this position in the gnomAD database. This variant has not been reported in the literature in individuals affected with SYNPO-related conditions. In summary, the available evidence is currently insufficient to determine the role of this variant in disease. Therefore, it has been classified as a Variant of Uncertain Significance.

NM_007286.6(SYNPO):c.2372CCCCGC[8] (p.Pro800_Arg801insProProProProProPro)

Genes: SYNPO (synaptopodin; plus strand), LOC129995011 (ATAC-STARR-seq lymphoblastoid silent region 16516; plus strand). Cytogenetic location: 5q33.1.
Variant type: Microsatellite.
Coding change: c.2372CCCCGC[8] on transcript NM_007286.6 (MANE Select); eight copies in a row of the 6-base unit CCCCGC starting at c.2372; the reference has five copies in a row; three copies, 18 bases duplicated.
Protein change: p.Pro800_Arg801insProProProProProPro.
Molecular consequence: inframe insertion.
Genome position (GRCh38, 1-based): chr5:150,656,759-150,656,776, CCCCGCCCCCGCCCCCGC duplicated; duplicating any 18 consecutive bases within chr5:150,656,743-150,656,776 gives the same sequence; the position shown is the placement nearest the transcript's 3' end. VCF-style (leftmost placement, unchanged base first): chr5-150656742-A-ACCGCCCCCGCCCCCGCCC. GRCh37 (hg19) VCF-style: chr5-150036304-A-ACCGCCCCCGCCCCCGCCC.
Identifiers: ClinVar variation 2037512 (VCV002037512.4), dbSNP rs769259449, ClinGen allele CA917608581.